The following is an entry in ClinVar:

ClinVar aggregate classification (germline): Uncertain significance (1 of 4 stars; one submission).

Submission:

Ambry Genetics
Classification: Uncertain significance. Last evaluated: 2025-09-10. Review status: criteria provided, single submitter. Criteria: Ambry Variant Classification Scheme 2023. Collection method: clinical testing. Allele origin: germline.
Comment: The p.V294A variant (also known as c.881T>C), located in coding exon 9 of the SRP72 gene, results from a T to C substitution at nucleotide position 881. The valine at codon 294 is replaced by alanine, an amino acid with similar properties. This amino acid position is conserved. In addition, the in silico prediction for this alteration is inconclusive. Based on the available evidence, the clinical significance of this variant remains unclear.

NM_006947.4(SRP72):c.881T>C (p.Val294Ala)

Gene: SRP72 (signal recognition particle 72; plus strand). Cytogenetic location: 4q12.
Variant type: single nucleotide variant.
Coding change: c.881T>C on transcript NM_006947.4 (MANE Select); coding-DNA position 881, T replaced by C.
Protein change: p.Val294Ala; replaces valine 294 with alanine.
Molecular consequence: missense variant. On other transcripts: non-coding transcript variant (1).
Genome position (GRCh38, 1-based): chr4:56,483,194, T>C. VCF-style: chr4-56483194-T-C. GRCh37 (hg19) VCF-style: chr4-57349360-T-C.
Other names: c.698T>C, p.Val233Ala (NM_001267722.2); short protein forms V233A, V294A.
Identifiers: ClinVar variation 4174988 (VCV004174988.1).